The following is an entry in ClinVar:

ClinVar aggregate classification (germline): Uncertain significance. Review status: criteria provided, multiple submitters, no conflicts (2 of 4 stars). 2 submissions from 2 submitters: Uncertain significance (2). Last evaluated 2025-09-04.

Conditions:
Inborn genetic diseases. Identifiers: MedGen C0950123, MeSH D030342.

Allele frequency attached by ClinVar (database versions not stated): gnomAD 0.00001; gnomAD exomes 0.00001; TOPMed 0.00001.
gnomAD v4.1: 11 of 1,607,804 alleles (0.00068%); highest among the groups gnomAD compares: African/African-American, 0.0027%; no homozygotes.

Submissions (2):

Labcorp Genetics (formerly Invitae), Labcorp
Classification: Uncertain significance. Last evaluated: 2025-09-04. Review status: criteria provided, single submitter. Criteria: Invitae Variant Classification Sherloc (09022015). Collection method: clinical testing. Allele origin: germline.
Comment: This sequence change replaces asparagine, which is neutral and polar, with serine, which is neutral and polar, at codon 1755 of the HSPG2 protein (p.Asn1755Ser). This variant is present in population databases (no rsID available, gnomAD 0.004%). This variant has not been reported in the literature in individuals affected with HSPG2-related conditions. ClinVar contains an entry for this variant (Variation ID: 1346484). An algorithm developed to predict the effect of missense changes on protein structure and function outputs the following: PolyPhen-2: "Benign". The serine amino acid residue is found in multiple mammalian species, which suggests that this missense change does not adversely affect protein function. In summary, the available evidence is currently insufficient to determine the role of this variant in disease. Therefore, it has been classified as a Variant of Uncertain Significance.

Ambry Genetics
Classification: Uncertain significance for Inborn genetic diseases. Last evaluated: 2021-09-27. Review status: criteria provided, single submitter. Criteria: Ambry Variant Classification Scheme 2023. Collection method: clinical testing. Allele origin: germline.

NM_005529.7(HSPG2):c.5264A>G (p.Asn1755Ser)

Gene: HSPG2 (heparan sulfate proteoglycan 2; minus strand). Cytogenetic location: 1p36.12.
Variant type: single nucleotide variant.
Coding change: c.5264A>G on transcript NM_005529.7 (MANE Select); coding-DNA position 5264, A replaced by G.
Protein change: p.Asn1755Ser; replaces asparagine 1755 with serine.
Molecular consequence: missense variant.
Genome position (GRCh38, 1-based): chr1:21,859,595, T>C on the plus strand (A>G on the coding strand, the complement: HSPG2 is on the minus strand). VCF-style: chr1-21859595-T-C. GRCh37 (hg19) VCF-style: chr1-22186088-T-C.
Other names: c.5264A>G (NM_005529.5); c.5267A>G, p.Asn1756Ser (NM_001291860.2); short protein forms N1756S, N1755S.
Identifiers: ClinVar variation 1346484 (VCV001346484.9), dbSNP rs1471314533, ClinGen allele CA338945133.